The following is an entry in ClinVar:

NM_000138.5(FBN1):c.8010C>G (p.Tyr2670Ter)

Gene: FBN1 (fibrillin 1; minus strand). Cytogenetic location: 15q21.1.
Variant type: single nucleotide variant.
Coding change: c.8010C>G on transcript NM_000138.5 (MANE Select); coding-DNA position 8010, C replaced by G.
Protein change: p.Tyr2670Ter; replaces tyrosine 2670 with a stop codon.
Molecular consequence: nonsense.
Genome position (GRCh38, 1-based): chr15:48,415,577, G>C on the plus strand (C>G on the coding strand, the complement: FBN1 is on the minus strand). VCF-style: chr15-48415577-G-C. GRCh37 (hg19) VCF-style: chr15-48707774-G-C.
Other names: p.Y2670X:TAC>TAG; short protein forms Y2670*.
Identifiers: ClinVar variation 200126 (VCV000200126.2), dbSNP rs794728282, ClinGen allele CA017517.

ClinVar aggregate classification (germline): Pathogenic (1 of 4 stars; one submission).

Submission:

GeneDx
Classification: Pathogenic. Last evaluated: 2013-12-27. Review status: criteria provided, single submitter. Criteria: GeneDx Variant Classification (06012015). Collection method: clinical testing. Allele origin: germline. Affected: yes.
Comment: p.Tyr2670Stop (TAC>TAG): c.8010 C>G in exon 64 of the FBN1 gene (NM_000138.4)The Y2670X mutation in the FBN1 gene has not been reported as a disease-causing mutation or as a benign polymorphism to our knowledge. Y2670X was not observed in approximately 6,500 individuals of European and African American ancestry in the NHLBI Exome Sequencing Project, indicating it is not a common benign variant in these populations.Y2670X is predicted to cause loss of normal protein function either by protein truncation or nonsense-mediated mRNA decay. Numerous other nonsense mutations in the FBN1 gene have been reported in association with Marfan syndrome. In summary, Y2670X in the FBN1 gene is interpreted as a disease-causing mutation. The variant is found in TAAD panel(s).